The following is an entry in ClinVar:

ClinVar aggregate classification (germline): Conflicting classifications of pathogenicity. Review status: criteria provided, conflicting classifications (1 of 4 stars). 4 submissions from 4 submitters: Uncertain significance (2); Benign (1); Likely benign (1). Last evaluated 2025-10-03.

Conditions:
Hereditary spastic paraplegia 4. Also called: Spastic Paraplegia 4; Familial spastic paraplegia autosomal dominant 2; Spastic paraplegia 4, autosomal dominant. Identifiers: Orphanet 100985, MedGen C1866855, MONDO:0008438, OMIM 182601.
SPAST-related disorder. Also called: SPAST-related condition.

Allele frequency attached by ClinVar (database versions not stated): gnomAD 0.00001; gnomAD exomes 0.00005 and 0.00011; TOPMed 0.00007; ExAC 0.00009.

Submissions (4):

Labcorp Genetics (formerly Invitae), Labcorp
Classification: Benign for Hereditary spastic paraplegia 4. Last evaluated: 2025-10-03. Review status: criteria provided, single submitter. Criteria: Invitae Variant Classification Sherloc (09022015). Collection method: clinical testing. Allele origin: germline.

PreventionGenetics, part of Exact Sciences
Classification: Uncertain significance for SPAST-related condition. Last evaluated: 2025-05-23. Review status: criteria provided, single submitter. Criteria: ACMG Guidelines, 2015. Collection method: clinical testing. Allele origin: germline.
Comment: The SPAST c.137A>G variant is predicted to result in the amino acid substitution p.His46Arg. To our knowledge, this variant has not been reported in the literature. This variant is reported in 0.076% of alleles in individuals of Latino descent in gnomAD. At this time, the clinical significance of this variant is uncertain due to the absence of conclusive functional and genetic evidence.

GeneDx
Classification: Uncertain significance. Last evaluated: 2024-01-03. Review status: criteria provided, single submitter. Criteria: GeneDx Variant Classification Process June 2021. Collection method: clinical testing. Allele origin: germline. Affected: yes.
Comment: Has not been previously published as pathogenic or benign to our knowledge; In silico analysis supports that this missense variant has a deleterious effect on protein structure/function

Illumina Laboratory Services, Illumina
Classification: Likely benign for Hereditary spastic paraplegia 4. Last evaluated: 2018-01-13. Review status: criteria provided, single submitter. Criteria: ICSL Variant Classification Criteria 13 December 2019. Collection method: clinical testing. Allele origin: germline.
Comment: This variant was observed in the ICSL laboratory as part of a predisposition screen in an ostensibly healthy population. It had not been previously curated by ICSL or reported in the Human Gene Mutation Database (HGMD: prior to June 1st, 2018), and was therefore a candidate for classification through an automated scoring system. Utilizing variant allele frequency, disease prevalence and penetrance estimates, and inheritance mode, an automated score was calculated to assess if this variant is too frequent to cause the disease. Based on the score and internal cut-off values, a variant classified as likely benign is not then subjected to further curation. The score for this variant resulted in a classification of likely benign for this disease.

NM_014946.4(SPAST):c.137A>G (p.His46Arg)

Gene: SPAST (spastin; plus strand). Cytogenetic location: 2p22.3.
Variant type: single nucleotide variant.
Coding change: c.137A>G on transcript NM_014946.4 (MANE Select); coding-DNA position 137, A replaced by G.
Protein change: p.His46Arg; replaces histidine 46 with arginine.
Molecular consequence: missense variant.
Genome position (GRCh38, 1-based): chr2:32,063,968, A>G. VCF-style: chr2-32063968-A-G. GRCh37 (hg19) VCF-style: chr2-32289037-A-G.
Other names: c.137A>G, p.His46Arg (NM_001363823.2, NM_001363875.2, NM_001377959.1 and 1 more transcripts); short protein forms H46R.
Identifiers: ClinVar variation 897739 (VCV000897739.13), dbSNP rs778952334, ClinGen allele CA1600500.